The following is an entry in ClinVar:

NM_203447.4(DOCK8):c.221G>T (p.Ser74Ile)

Genes: DOCK8 (dedicator of cytokinesis 8; plus strand), LOC126860552 (BRD4-independent group 4 enhancer GRCh37_chr9:285795-286994; plus strand). Cytogenetic location: 9p24.3.
Variant type: single nucleotide variant.
Coding change: c.221G>T on transcript NM_203447.4 (MANE Select); coding-DNA position 221, G replaced by T.
Protein change: p.Ser74Ile; replaces serine 74 with isoleucine.
Molecular consequence: missense variant.
Genome position (GRCh38, 1-based): chr9:286,525, G>T. VCF-style: chr9-286525-G-T. GRCh37 (hg19) VCF-style: chr9-286525-G-T.
Other names: c.17G>T, p.Ser6Ile (NM_001190458.2, NM_001193536.2); short protein forms S6I, S74I.
Identifiers: ClinVar variation 2417531 (VCV002417531.12), dbSNP rs563918671, ClinGen allele CA372756113.

ClinVar aggregate classification (germline): Uncertain significance. Review status: criteria provided, multiple submitters, no conflicts (2 of 4 stars). 2 submissions from 2 submitters: Uncertain significance (2). Last evaluated 2024-03-25.

Conditions:
Inborn genetic diseases. Identifiers: MedGen C0950123, MeSH D030342.
Combined immunodeficiency due to DOCK8 deficiency (HIES2). Also called: HIES autosomal recessive; Hyper-IgE recurrent infection syndrome, autosomal recessive; HYPER-IgE RECURRENT INFECTION SYNDROME 2, AUTOSOMAL RECESSIVE; HYPER-IgE SYNDROME 2, AUTOSOMAL RECESSIVE, WITH RECURRENT INFECTIONS; DOCK8 Deficiency. Identifiers: Orphanet 217390, MedGen C4722305, MONDO:0009478, OMIM 243700.

Allele frequency attached by ClinVar (database versions not stated): TOPMed 0.00001.

Submissions (2):

Ambry Genetics
Classification: Uncertain significance for Inborn genetic diseases. Last evaluated: 2024-03-25. Review status: criteria provided, single submitter. Criteria: Ambry Variant Classification Scheme 2023. Collection method: clinical testing. Allele origin: germline.

Labcorp Genetics (formerly Invitae), Labcorp
Classification: Uncertain significance for Combined immunodeficiency due to DOCK8 deficiency. Last evaluated: 2022-09-27. Review status: criteria provided, single submitter. Criteria: Invitae Variant Classification Sherloc (09022015). Collection method: clinical testing. Allele origin: germline.
Comment: This sequence change replaces serine, which is neutral and polar, with isoleucine, which is neutral and non-polar, at codon 74 of the DOCK8 protein (p.Ser74Ile). This variant is not present in population databases (gnomAD no frequency). This variant has not been reported in the literature in individuals affected with DOCK8-related conditions. Advanced modeling of protein sequence and biophysical properties (such as structural, functional, and spatial information, amino acid conservation, physicochemical variation, residue mobility, and thermodynamic stability) performed at Invitae indicates that this missense variant is not expected to disrupt DOCK8 protein function. In summary, the available evidence is currently insufficient to determine the role of this variant in disease. Therefore, it has been classified as a Variant of Uncertain Significance.